The following is an entry in ClinVar:

NM_004320.6(ATP2A1):c.663C>G (p.Gly221=)

Gene: ATP2A1 (ATPase sarcoplasmic/endoplasmic reticulum Ca2+ transporting 1; plus strand). Cytogenetic location: 16p11.2.
Variant type: single nucleotide variant.
Coding change: c.663C>G on transcript NM_004320.6 (MANE Select); coding-DNA position 663, C replaced by G.
Protein change: p.Gly221=; no amino-acid change (glycine 221 retained).
Molecular consequence: synonymous variant.
Genome position (GRCh38, 1-based): chr16:28,887,457, C>G. VCF-style: chr16-28887457-C-G. GRCh37 (hg19) VCF-style: chr16-28898778-C-G.
Other names: p.Gly221=; c.288C>G, p.Gly96= (NM_001286075.2); c.663C>G, p.Gly221= (NM_173201.5); c.663C>G (NM_173201.4).
Identifiers: ClinVar variation 96544 (VCV000096544.50), dbSNP rs113803159, ClinGen allele CA224217.
Genomic context (GRCh38, chr16:28,887,457, plus strand): 5'-ATTCCCTGCCTCCTCTTTCCCTTCCCAGGGCACCAACATTGCAGCCGGCAAGGCCTTGGG[C>G]ATCGTGGCCACCACTGGTGTGGGCACCGAGATTGGGAAGATCCGAGACCAAATGGCTGCC-3'
Protein context (NP_004311.1, residues 211-231): GTNIAAGKAL[Gly221=]IVATTGVGTE

ClinVar aggregate classification (germline): Conflicting classifications of pathogenicity. Review status: criteria provided, conflicting classifications (1 of 4 stars). 9 submissions from 9 submitters: Uncertain significance (1); Benign (3); Likely benign (4). 1 of the submissions does not count toward it. Last evaluated 2026-03-01.

Conditions:
ATP2A1-related disorder. Also called: ATP2A1-related condition.
Brody myopathy. Also called: BRODY DISEASE. Identifiers: Orphanet 53347, MedGen C1832918, MONDO:0010977, OMIM 601003.

Allele frequency attached by ClinVar (database versions not stated): 1000 Genomes Project 30x 0.00172; 1000 Genomes Project 0.00180; TOPMed 0.00450; ExAC 0.00456; gnomAD 0.00456 and 0.00468; gnomAD exomes 0.00459 and 0.00593; ESP Exome Variant Server 0.00608.
gnomAD v4.1: 9,240 of 1,614,078 alleles (0.57%); highest among the groups gnomAD compares: Non-Finnish European, 0.7%; 33 homozygotes.

Submissions (9):

CeGaT Center for Human Genetics Tuebingen
Classification: Likely benign. Last evaluated: 2026-03-01. Review status: criteria provided, single submitter. Criteria: CeGaT Center For Human Genetics Tuebingen Variant Classification Criteria Version 2. Collection method: clinical testing. Allele origin: germline. Affected: yes. Observed: 6 variant alleles.
Comment: ATP2A1: BP4, BP7, BS2

Labcorp Genetics (formerly Invitae), Labcorp
Classification: Benign for Brody myopathy. Last evaluated: 2026-02-01. Review status: criteria provided, single submitter. Criteria: Invitae Variant Classification Sherloc (09022015). Collection method: clinical testing. Allele origin: germline.

Blueprint Genetics
Classification: Likely benign. Last evaluated: 2024-11-22. Review status: criteria provided, single submitter. Criteria: ACMG Guidelines, 2015. Collection method: clinical testing. Allele origin: germline.

Athena Diagnostics
Classification: Benign. Last evaluated: 2024-05-03. Review status: criteria provided, single submitter. Criteria: Athena Diagnostics Criteria. Collection method: clinical testing. Allele origin: unknown.

Mayo Clinic Laboratories, Mayo Clinic
Classification: Benign. Last evaluated: 2023-06-01. Review status: criteria provided, single submitter. Criteria: ACMG Guidelines, 2015. Collection method: clinical testing. Allele origin: germline. Observed: 9 variant alleles.
Comment: BS1, BS2, BP4, BP7

GeneDx
Classification: Likely benign. Last evaluated: 2021-09-29. Review status: criteria provided, single submitter. Criteria: GeneDx Variant Classification Process June 2021. Collection method: clinical testing. Allele origin: germline. Affected: yes.

Illumina Laboratory Services, Illumina
Classification: Likely benign for Brody myopathy. Last evaluated: 2018-01-13. Review status: criteria provided, single submitter. Criteria: ICSL Variant Classification Criteria 13 December 2019. Collection method: clinical testing. Allele origin: germline.
Comment: This variant was observed in the ICSL laboratory as part of a predisposition screen in an ostensibly healthy population. It had not been previously curated by ICSL or reported in the Human Gene Mutation Database (HGMD: prior to June 1st, 2018), and was therefore a candidate for classification through an automated scoring system. Utilizing variant allele frequency, disease prevalence and penetrance estimates, and inheritance mode, an automated score was calculated to assess if this variant is too frequent to cause the disease. Based on the score and internal cut-off values, a variant classified as likely benign is not then subjected to further curation. The score for this variant resulted in a classification of likely benign for this disease.

Eurofins Ntd Llc (ga)
Classification: Uncertain significance. Last evaluated: 2013-02-26. Review status: criteria provided, single submitter. Criteria: EGL Classification Definitions 2015. Collection method: clinical testing. Allele origin: germline. Observed: 1 variant allele, 1 heterozygote.

PreventionGenetics, part of Exact Sciences
Classification: Benign for ATP2A1-related condition. Last evaluated: 2019-05-29. Review status: no assertion criteria provided. Collection method: clinical testing. Allele origin: germline. Not counted in ClinVar's aggregate classification.
Comment: This variant is classified as benign based on ACMG/AMP sequence variant interpretation guidelines (Richards et al. 2015 PMID: 25741868, with internal and published modifications).

Literature cited by the submitters: PubMed 25614869 (cited by Athena Diagnostics).